The following is an entry in ClinVar:

NM_002439.5(MSH3):c.3401C>A (p.Ser1134Tyr)

Gene: MSH3 (mutS homolog 3; plus strand). Cytogenetic location: 5q14.1.
Variant type: single nucleotide variant.
Coding change: c.3401C>A on transcript NM_002439.5 (MANE Select); coding-DNA position 3401, C replaced by A.
Protein change: p.Ser1134Tyr; replaces serine 1134 with tyrosine.
Molecular consequence: missense variant.
Genome position (GRCh38, 1-based): chr5:80,875,849, C>A. VCF-style: chr5-80875849-C-A. GRCh37 (hg19) VCF-style: chr5-80171668-C-A.
Other names: short protein forms S1134Y.
Identifiers: ClinVar variation 662548 (VCV000662548.15), dbSNP rs1580106260, ClinGen allele CA360347492.

ClinVar aggregate classification (germline): Uncertain significance. Review status: criteria provided, multiple submitters, no conflicts (2 of 4 stars). 3 submissions from 3 submitters: Uncertain significance (3). Last evaluated 2025-08-03.

Conditions:
Hereditary cancer-predisposing syndrome. Also called: Neoplastic Syndromes, Hereditary; Tumor predisposition; Hereditary neoplastic syndrome; Hereditary Cancer Syndrome. Identifiers: Orphanet 140162, MedGen C0027672, MeSH D009386, MONDO:0015356.
Endometrial carcinoma. Also called: Endometrial carcinoma, somatic. Identifiers: MedGen C0476089, MONDO:0002447, OMIM 608089, HP:0012114.

Submissions (3):

Labcorp Genetics (formerly Invitae), Labcorp
Classification: Uncertain significance. Last evaluated: 2025-08-03. Review status: criteria provided, single submitter. Criteria: Invitae Variant Classification Sherloc (09022015). Collection method: clinical testing. Allele origin: germline.
Comment: This sequence change replaces serine, which is neutral and polar, with tyrosine, which is neutral and polar, at codon 1134 of the MSH3 protein (p.Ser1134Tyr). This variant is not present in population databases (gnomAD no frequency). This variant has not been reported in the literature in individuals affected with MSH3-related conditions. ClinVar contains an entry for this variant (Variation ID: 662548). An algorithm developed to predict the effect of missense changes on protein structure and function (PolyPhen-2) suggests that this variant is likely to be tolerated. In summary, the available evidence is currently insufficient to determine the role of this variant in disease. Therefore, it has been classified as a Variant of Uncertain Significance.

Ambry Genetics
Classification: Uncertain significance for Hereditary cancer-predisposing syndrome. Last evaluated: 2025-05-07. Review status: criteria provided, single submitter. Criteria: Ambry Variant Classification Scheme 2023. Collection method: clinical testing. Allele origin: germline.
Comment: The p.S1134Y variant (also known as c.3401C>A), located in coding exon 24 of the MSH3 gene, results from a C to A substitution at nucleotide position 3401. The serine at codon 1134 is replaced by tyrosine, an amino acid with dissimilar properties. This amino acid position is not well conserved in available vertebrate species. In addition, this alteration is predicted to be tolerated by in silico analysis. Since supporting evidence is limited at this time, the clinical significance of this alteration remains unclear.

Baylor Genetics
Classification: Uncertain significance for Endometrial carcinoma. Last evaluated: 2024-03-20. Review status: criteria provided, single submitter. Criteria: ACMG Guidelines, 2015. Collection method: clinical testing. Allele origin: unknown.